The following is an entry in ClinVar:

ClinVar aggregate classification (germline): Likely benign. Review status: criteria provided, multiple submitters, no conflicts (2 of 4 stars). 3 submissions from 3 submitters: Likely benign (2). 1 of the submissions does not count toward it. Last evaluated 2024-11-21.

Conditions:
Dyskeratosis congenita. Identifiers: Orphanet 1775, MedGen C0265965, MONDO:0015780.
TINF2-related disorder. Also called: TINF2-related condition.

Allele frequency attached by ClinVar (database versions not stated): gnomAD exomes below 0.00001 and 0.00001; ExAC 0.00001; gnomAD 0.00003; TOPMed 0.00003.
gnomAD v4.1: 24 of 1,614,076 alleles (0.0015%); highest among the groups gnomAD compares: Non-Finnish European, 0.0019%; no homozygotes.

Submissions (3):

Ambry Genetics
Classification: Likely benign for Dyskeratosis congenita. Last evaluated: 2024-11-21. Review status: criteria provided, single submitter. Criteria: Ambry Variant Classification Scheme 2023. Collection method: clinical testing. Allele origin: germline.

Labcorp Genetics (formerly Invitae), Labcorp
Classification: Likely benign for Dyskeratosis congenita. Last evaluated: 2024-08-28. Review status: criteria provided, single submitter. Criteria: Invitae Variant Classification Sherloc (09022015). Collection method: clinical testing. Allele origin: germline.

PreventionGenetics, part of Exact Sciences
Classification: Likely benign for TINF2-related condition. Last evaluated: 2019-07-26. Review status: no assertion criteria provided. Collection method: clinical testing. Allele origin: germline. Not counted in ClinVar's aggregate classification.
Comment: This variant is classified as likely benign based on ACMG/AMP sequence variant interpretation guidelines (Richards et al. 2015 PMID: 25741868, with internal and published modifications).

NM_001099274.3(TINF2):c.504G>A (p.Gln168=)

Gene: TINF2 (TERF1 interacting nuclear factor 2; minus strand). Cytogenetic location: 14q12.
Variant type: single nucleotide variant.
Coding change: c.504G>A on transcript NM_001099274.3 (MANE Select); coding-DNA position 504, G replaced by A.
Protein change: p.Gln168=; no amino-acid change (glutamine 168 retained).
Molecular consequence: synonymous variant.
Genome position (GRCh38, 1-based): chr14:24,241,207, C>T on the plus strand (G>A on the coding strand, the complement: TINF2 is on the minus strand). VCF-style: chr14-24241207-C-T. GRCh37 (hg19) VCF-style: chr14-24710413-C-T.
Other names: c.399G>A, p.Gln133= (NM_001363668.2); c.504G>A, p.Gln168= (NM_012461.3); c.504G>A (NM_001099274.1).
Identifiers: ClinVar variation 1656862 (VCV001656862.11), dbSNP rs764829839, ClinGen allele CA7130645.